The following is an entry in ClinVar:

NM_174934.4(SCN4B):c.589A>G (p.Lys197Glu)

Gene: SCN4B (sodium voltage-gated channel beta subunit 4; minus strand). Cytogenetic location: 11q23.3.
Variant type: single nucleotide variant.
Coding change: c.589A>G on transcript NM_174934.4 (MANE Select); coding-DNA position 589, A replaced by G.
Protein change: p.Lys197Glu; replaces lysine 197 with glutamic acid.
Molecular consequence: missense variant. On other transcripts: non-coding transcript variant (1).
Genome position (GRCh38, 1-based): chr11:118,141,211, T>C on the plus strand (A>G on the coding strand, the complement: SCN4B is on the minus strand). VCF-style: chr11-118141211-T-C. GRCh37 (hg19) VCF-style: chr11-118011926-T-C.
Other names: c.187A>G, p.Lys63Glu (NM_001142348.2); c.259A>G, p.Lys87Glu (NM_001142349.2); short protein forms K197E, K63E, K87E.
Identifiers: ClinVar variation 496553 (VCV000496553.5), dbSNP rs1230446349, ClinGen allele CA382777416.

ClinVar aggregate classification (germline): Uncertain significance. Review status: criteria provided, multiple submitters, no conflicts (2 of 4 stars). 2 submissions from 2 submitters: Uncertain significance (2). Last evaluated 2022-03-08.

Conditions:
Long QT syndrome 10 (LQT10). Identifiers: Orphanet 101016, Orphanet 768, MedGen C2678484, MONDO:0012737, OMIM 611819.

Allele frequency attached by ClinVar (database versions not stated): TOPMed 0.00002.
gnomAD v4.1: 1 of 1,612,896 alleles (0.000062%); no homozygotes.

Submissions (2):

Labcorp Genetics (formerly Invitae), Labcorp
Classification: Uncertain significance for Long QT syndrome 10. Last evaluated: 2022-03-08. Review status: criteria provided, single submitter. Criteria: Invitae Variant Classification Sherloc (09022015). Collection method: clinical testing. Allele origin: germline.
Comment: This variant has not been reported in the literature in individuals affected with SCN4B-related conditions. ClinVar contains an entry for this variant (Variation ID: 496553). Algorithms developed to predict the effect of missense changes on protein structure and function (SIFT, PolyPhen-2, Align-GVGD) all suggest that this variant is likely to be tolerated. In summary, the available evidence is currently insufficient to determine the role of this variant in disease. Therefore, it has been classified as a Variant of Uncertain Significance. This variant is not present in population databases (gnomAD no frequency). This sequence change replaces lysine, which is basic and polar, with glutamic acid, which is acidic and polar, at codon 197 of the SCN4B protein (p.Lys197Glu).

Women's Health and Genetics/Laboratory Corporation of America, LabCorp
Classification: Uncertain significance. Last evaluated: 2016-04-04. Review status: criteria provided, single submitter. Criteria: LabCorp Variant Classification Summary - May 2015. Collection method: clinical testing. Allele origin: germline.
Comment: Variant Summary: The variant of interest causes a missense change involving a conserved nucleotide with 2/4 in silico programs predicting a "benign" outcome and 2/4 predicting a "deleterious" outcome, although these predictions have yet to be functionally assessed. The variant of interest was not observed in controls (ExAC, 1000 Gs or ESP), nor has it been, to our knowledge, reported in affected individuals via publications and/or reputable clinical laboratories/databases. Therefore, taking all available lines of evidence into consideration, the variant of interest is classified as a "Variant of Uncertain Significance (VUS)," until additional information becomes available.